The following is an entry in ClinVar:

NM_006311.4(NCOR1):c.96C>T (p.Thr32=)

Gene: NCOR1 (nuclear receptor corepressor 1; minus strand). Cytogenetic location: 17p11.2.
Variant type: single nucleotide variant.
Coding change: c.96C>T on transcript NM_006311.4 (MANE Select); coding-DNA position 96, C replaced by T.
Protein change: p.Thr32=; no amino-acid change (threonine 32 retained).
Molecular consequence: synonymous variant.
Genome position (GRCh38, 1-based): chr17:16,194,474, G>A on the plus strand (C>T on the coding strand, the complement: NCOR1 is on the minus strand). VCF-style: chr17-16194474-G-A. GRCh37 (hg19) VCF-style: chr17-16097788-G-A.
Other names: c.96C>T, p.Thr32= (NM_001190438.2, NM_001190440.2).
Identifiers: ClinVar variation 712853 (VCV000712853.6), dbSNP rs75360338, ClinGen allele CA8409682.

ClinVar aggregate classification (germline): Benign. Review status: criteria provided, single submitter (1 of 4 stars). 2 submissions from 2 submitters: Benign (1). 1 of the submissions does not count toward it. Last evaluated 2019-12-31.

Conditions:
NCOR1-related disorder. Also called: NCOR1-related condition.

Allele frequency attached by ClinVar (database versions not stated): gnomAD 0.00506 and 0.00542; TOPMed 0.00550; 1000 Genomes Project 0.00599; ESP Exome Variant Server 0.00638; 1000 Genomes Project 30x 0.00687; gnomAD exomes 0.00051 and 0.00124; ExAC 0.00219.
gnomAD v4.1: 1,546 of 1,602,320 alleles (0.096%); highest among the groups gnomAD compares: African/African-American, 1.8%; 17 homozygotes.

Submissions (2):

Labcorp Genetics (formerly Invitae), Labcorp
Classification: Benign. Last evaluated: 2019-12-31. Review status: criteria provided, single submitter. Criteria: Invitae Variant Classification Sherloc (09022015). Collection method: clinical testing. Allele origin: germline.

PreventionGenetics, part of Exact Sciences
Classification: Benign for NCOR1-related condition. Last evaluated: 2019-03-05. Review status: no assertion criteria provided. Collection method: clinical testing. Allele origin: germline. Not counted in ClinVar's aggregate classification.
Comment: This variant is classified as benign based on ACMG/AMP sequence variant interpretation guidelines (Richards et al. 2015 PMID: 25741868, with internal and published modifications).